The following is an entry in ClinVar:

NM_001184900.3(CARD8):c.727G>A (p.Glu243Lys)

Gene: CARD8 (caspase recruitment domain family member 8; minus strand). Cytogenetic location: 19q13.33.
Variant type: single nucleotide variant.
Coding change: c.727G>A on transcript NM_001184900.3 (MANE Select); coding-DNA position 727, G replaced by A.
Protein change: p.Glu243Lys; replaces glutamic acid 243 with lysine.
Molecular consequence: missense variant. On other transcripts: non-coding transcript variant (4).
Genome position (GRCh38, 1-based): chr19:48,230,822, C>T on the plus strand (G>A on the coding strand, the complement: CARD8 is on the minus strand). VCF-style: chr19-48230822-C-T. GRCh37 (hg19) VCF-style: chr19-48734079-C-T.
Other names: c.577G>A, p.Glu193Lys (NM_001184901.1, NM_001351783.2, NM_001351788.2 and 2 more transcripts); c.727G>A, p.Glu243Lys (NM_001184902.2, NM_001184903.1, NM_001351782.2); c.412G>A, p.Glu138Lys (NM_001351784.2, NM_001351787.2, NM_001351791.2 and 2 more transcripts); c.391G>A, p.Glu131Lys (NM_001351786.2); c.484G>A, p.Glu162Lys (NM_001351790.2); short protein forms E162K, E193K, E243K, E138K, E131K.
Identifiers: ClinVar variation 3693299 (VCV003693299.2).

ClinVar aggregate classification (germline): Uncertain significance (1 of 4 stars; one submission).

Submission:

Labcorp Genetics (formerly Invitae), Labcorp
Classification: Uncertain significance. Last evaluated: 2024-10-21. Review status: criteria provided, single submitter. Criteria: Invitae Variant Classification Sherloc (09022015). Collection method: clinical testing. Allele origin: germline.
Comment: This sequence change replaces glutamic acid, which is acidic and polar, with lysine, which is basic and polar, at codon 193 of the CARD8 protein (p.Glu193Lys). This variant is present in population databases (no rsID available, gnomAD 0.007%). This variant has not been reported in the literature in individuals affected with CARD8-related conditions. An algorithm developed to predict the effect of missense changes on protein structure and function (PolyPhen-2) suggests that this variant is likely to be tolerated. In summary, the available evidence is currently insufficient to determine the role of this variant in disease. Therefore, it has been classified as a Variant of Uncertain Significance.